The following is an entry in ClinVar:

ClinVar aggregate classification (germline): Pathogenic (1 of 4 stars; one submission).

Conditions:
Fabry disease. Also called: Fabry's disease; ALPHA-GALACTOSIDASE A DEFICIENCY; ANDERSON-FABRY DISEASE; CERAMIDE TRIHEXOSIDASE DEFICIENCY; GLA DEFICIENCY; HEREDITARY DYSTOPIC LIPIDOSIS. Identifiers: Orphanet 324, MedGen C0002986, MONDO:0010526, OMIM 301500, HP:0001071. Disease mechanism: Fabry disease is due to inactivating mutations in the X-linked GLA gene resulting in deficiency of the enzyme Alpha Galactosidase-A., loss of function.

Submission:

Genomenon, Inc
Classification: Pathogenic for Fabry disease. Last evaluated: 2026-09-08. Review status: criteria provided, single submitter. Criteria: Genomenon Sequence Variant Interpretation Standards - Updated. Collection method: curation. Allele origin: germline. Affected: yes.
Comment: GLA p.Cys12AlafsTer109 (c.33del) is a frameshift variant that is predicted to introduce a premature termination codon and result in a truncated or absent protein product. This variant has been observed in at least one proband with clinical features consistent with Fabry disease (PMID:22551898). It is absent or not present at a significant frequency in gnomAD. In conclusion, we classify GLA p.Cys12AlafsTer109 (c.33del) as a pathogenic variant.

Literature cited by the submitters: PubMed 22551898.

NM_000169.3(GLA):c.33del (p.Cys12fs)

Genes: GLA (galactosidase alpha; minus strand), RPL36A-HNRNPH2 (RPL36A-HNRNPH2 readthrough; plus strand). Cytogenetic location: Xq22.1.
Variant type: Deletion.
Coding change: c.33del on transcript NM_000169.3 (MANE Select); coding-DNA position 33, one base deleted (C; older notation c.33delC).
Protein change: p.Cys12fs; shifts the reading frame from cysteine 12.
Molecular consequence: frameshift variant. On other transcripts: non-coding transcript variant (3), intron variant (2).
Genome position (GRCh38, 1-based): chrX:101,407,871, G deleted on the plus strand (C on the coding strand, the reverse complement: GLA is on the minus strand). VCF-style (leftmost placement, unchanged base first): chrX-101407870-AG-A. GRCh37 (hg19) VCF-style: chrX-100662858-AG-A.
Other names: c.33del, p.Cys12fs (NM_001406747.1, NM_001406748.1, NM_001406749.1); c.301-4065del (NM_001199973.2); c.178-4065del (NM_001199974.2); short protein forms C12fs.
Identifiers: ClinVar variation 4974879 (VCV004974879.1).